The following is an entry in ClinVar:

ClinVar aggregate classification (germline): Pathogenic/Likely pathogenic. Review status: criteria provided, multiple submitters, no conflicts (2 of 4 stars). 4 submissions from 4 submitters: Pathogenic (1); Likely pathogenic (3). Last evaluated 2026-05-15.

Conditions:
Methylcrotonyl-CoA carboxylase deficiency. Also called: 3 Methylcrotonylglycinuria; Deficiency of methylcrotonoyl-CoA carboxylase; 3-MCC Deficiency. Identifiers: Orphanet 6, MedGen C4551505, MONDO:0018950.
3-methylcrotonyl-CoA carboxylase 2 deficiency. Also called: 3 alpha methylcrotonyl-CoA carboxylase 2 deficiency; 3 alpha methylcrotonylglycinuria 2; MCC 2 deficiency; Methylcrotonylglycinuria type 2; METHYLCROTONYLGLYCINURIA, TYPE II. Identifiers: Orphanet 6, MedGen C1859499, MONDO:0008862, OMIM 210210.

Allele frequency attached by ClinVar (database versions not stated): gnomAD 0.00001; ExAC 0.00002.
gnomAD v4.1: 22 of 1,613,752 alleles (0.0014%); highest among the groups gnomAD compares: South Asian, 0.0055%; no homozygotes.

Submissions (4):

Myriad Genetics, Inc.
Classification: Likely pathogenic for 3-methylcrotonyl-CoA carboxylase 2 deficiency. Last evaluated: 2026-05-15. Review status: criteria provided, single submitter. Criteria: Myriad Autosomal Dominant, Autosomal Recessive and X-Linked Classification Criteria (2023). Collection method: clinical testing. Allele origin: unknown.
Comment: NM_022132.4(MCCC2):c.1570G>A(A524T) is a missense variant classified as likely pathogenic in the context of 3-methylcrotonyl-CoA carboxylase deficiency, MCC2-related. A524T has been observed in cases with relevant disease (PMID: 22658692, 27601257, Taybert_2016_(Abstract), Dung_2024_(Presentation)). Relevant functional assessments of this variant are not available in the literature. A524T has been observed in referenced population frequency databases. In summary, NM_022132.4(MCCC2):c.1570G>A(A524T) is a missense variant that has been observed more frequently in cases with the relevant disease than in healthy populations. Please note: this variant was assessed in the context of healthy population screening.

Labcorp Genetics (formerly Invitae), Labcorp
Classification: Pathogenic for 3-methylcrotonyl-CoA carboxylase 2 deficiency. Last evaluated: 2025-08-25. Review status: criteria provided, single submitter. Criteria: Invitae Variant Classification Sherloc (09022015). Collection method: clinical testing. Allele origin: germline.
Comment: This sequence change replaces alanine, which is neutral and non-polar, with threonine, which is neutral and polar, at codon 524 of the MCCC2 protein (p.Ala524Thr). This variant is present in population databases (rs774241918, gnomAD 0.01%). This missense change has been observed in individual(s) with 3 methylcrotonyl-CoA carboxylase deficiency (PMID: 22658692, 27601257; internal data). In at least one individual the data is consistent with being in trans (on the opposite chromosome) from a pathogenic variant. ClinVar contains an entry for this variant (Variation ID: 1705095). Invitae Evidence Modeling of protein sequence and biophysical properties (such as structural, functional, and spatial information, amino acid conservation, physicochemical variation, residue mobility, and thermodynamic stability) indicates that this missense variant is expected to disrupt MCCC2 protein function with a positive predictive value of 80%. This variant disrupts the p.Ala524 amino acid residue in MCCC2. Other variant(s) that disrupt this residue have been observed in individuals with MCCC2-related conditions (internal data), which suggests that this may be a clinically significant amino acid residue. For these reasons, this variant has been classified as Pathogenic.

Women's Health and Genetics/Laboratory Corporation of America, LabCorp
Classification: Likely pathogenic for Methylcrotonyl-CoA carboxylase deficiency. Last evaluated: 2025-06-03. Review status: criteria provided, single submitter. Criteria: LabCorp Variant Classification Summary - May 2015. Collection method: clinical testing. Allele origin: germline.
Comment: Variant summary: MCCC2 c.1570G>A (p.Ala524Thr) results in a non-conservative amino acid change located in the Acetyl-coenzyme A carboxyltransferase, C-terminal domain (IPR011763) of the encoded protein sequence. Algorithms developed to predict the effect of missense changes on protein structure and function all suggest that this variant is likely to be disruptive. The variant allele was found at a frequency of 2.4e-05 in 251342 control chromosomes. c.1570G>A has been observed in individual(s) affected with Methylcrotonyl-CoA Carboxylase Deficiency (example: Fonseca_2016, Arnold_2012, internal data). These data indicate that the variant is likely to be associated with disease. The following publications have been ascertained in the context of this evaluation (PMID: 27601257, 22658692). ClinVar contains an entry for this variant (Variation ID: 1705095). Based on the evidence outlined above, the variant was classified as likely pathogenic.

Juno Genomics, Hangzhou Juno Genomics, Inc
Classification: Likely pathogenic for 3-methylcrotonyl-CoA carboxylase 2 deficiency. Review status: criteria provided, single submitter. Criteria: ACMG Guidelines, 2015. Collection method: clinical testing. Allele origin: germline.
Comment: Absent from controls (or at extremely low frequency if recessive) in Genome Aggregation Database.;Multiple lines of computational evidence support a deleterious effect on the gene or gene product.;For recessive disorders, detected in trans with a pathogenic variant.;Patient's phenotype or family history is highly specific for a disease with a single genetic etiology.

Literature cited by the submitters: PubMed 22658692 (cited by Labcorp Genetics (formerly Invitae), Labcorp and Women's Health and Genetics/Laboratory Corporation of America, LabCorp); PubMed 27601257 (cited by Labcorp Genetics (formerly Invitae), Labcorp and Women's Health and Genetics/Laboratory Corporation of America, LabCorp).

NM_022132.5(MCCC2):c.1570G>A (p.Ala524Thr)

Gene: MCCC2 (methylcrotonyl-CoA carboxylase subunit 2; plus strand). Cytogenetic location: 5q13.2.
Variant type: single nucleotide variant.
Coding change: c.1570G>A on transcript NM_022132.5 (MANE Select); coding-DNA position 1570, G replaced by A.
Protein change: p.Ala524Thr; replaces alanine 524 with threonine.
Molecular consequence: missense variant.
Genome position (GRCh38, 1-based): chr5:71,652,750, G>A. VCF-style: chr5-71652750-G-A. GRCh37 (hg19) VCF-style: chr5-70948577-G-A.
Other names: c.1456G>A, p.Ala486Thr (NM_001363147.1); short protein forms A486T, A524T.
Identifiers: ClinVar variation 1705095 (VCV001705095.11), dbSNP rs774241918, ClinGen allele CA3298195.